The following is an entry in ClinVar:

NM_012338.4(TSPAN12):c.762G>T (p.Glu254Asp)

Gene: TSPAN12 (tetraspanin 12; minus strand). Cytogenetic location: 7q31.31.
Variant type: single nucleotide variant.
Coding change: c.762G>T on transcript NM_012338.4 (MANE Select); coding-DNA position 762, G replaced by T.
Protein change: p.Glu254Asp; replaces glutamic acid 254 with aspartic acid.
Molecular consequence: missense variant.
Genome position (GRCh38, 1-based): chr7:120,788,748, C>A on the plus strand (G>T on the coding strand, the complement: TSPAN12 is on the minus strand). VCF-style: chr7-120788748-C-A. GRCh37 (hg19) VCF-style: chr7-120428802-C-A.
Other names: c.762G>T (NM_012338.3); short protein forms E254D.
Identifiers: ClinVar variation 1944738 (VCV001944738.6), dbSNP rs748587940, ClinGen allele CA4453811.
Genomic context (GRCh38, chr7:120,788,748, plus strand): 5'-GGGACATGACAGGTGCTGAGAGTTGTCATTCTTCAAGGACATCATTTGGTCTGTCCCCGG[C>A]TCCCTTCTATCATAATACAGAGCCCAGAGCAGAGTAATGGTGAGAATCATGGCCAGGATT-3'
Protein context (NP_036470.1, residues 244-264): LLWALYYDRR[Glu254Asp]PGTDQMMSLK

ClinVar aggregate classification (germline): Uncertain significance. Review status: criteria provided, multiple submitters, no conflicts (2 of 4 stars). 2 submissions from 2 submitters: Uncertain significance (2). Last evaluated 2024-04-24.

Conditions:
Inborn genetic diseases. Identifiers: MedGen C0950123, MeSH D030342.

Allele frequency attached by ClinVar (database versions not stated): gnomAD exomes 0.00001; ExAC 0.00003.
gnomAD v4.1: 6 of 1,614,118 alleles (0.00037%); highest among the groups gnomAD compares: East Asian, 0.013%; no homozygotes.

Submissions (2):

Ambry Genetics
Classification: Uncertain significance for Inborn genetic diseases. Last evaluated: 2024-04-24. Review status: criteria provided, single submitter. Criteria: Ambry Variant Classification Scheme 2023. Collection method: clinical testing. Allele origin: germline.

Labcorp Genetics (formerly Invitae), Labcorp
Classification: Uncertain significance. Last evaluated: 2022-11-03. Review status: criteria provided, single submitter. Criteria: Invitae Variant Classification Sherloc (09022015). Collection method: clinical testing. Allele origin: germline.
Comment: In summary, the available evidence is currently insufficient to determine the role of this variant in disease. Therefore, it has been classified as a Variant of Uncertain Significance. Algorithms developed to predict the effect of missense changes on protein structure and function output the following: SIFT: "Tolerated"; PolyPhen-2: "Benign"; Align-GVGD: "Class C0". The aspartic acid amino acid residue is found in multiple mammalian species, which suggests that this missense change does not adversely affect protein function. This variant has not been reported in the literature in individuals affected with TSPAN12-related conditions. This variant is present in population databases (rs748587940, gnomAD 0.03%). This sequence change replaces glutamic acid, which is acidic and polar, with aspartic acid, which is acidic and polar, at codon 254 of the TSPAN12 protein (p.Glu254Asp).